The following is an entry in ClinVar:

ClinVar aggregate classification (germline): Uncertain significance (1 of 4 stars; one submission).

Conditions:
Pyridoxal phosphate-responsive seizures (PNPOD). Also called: EPILEPTIC ENCEPHALOPATHY, NEONATAL, PNPO-RELATED; SEIZURES, PYRIDOXINE-RESISTANT, PLP-SENSITIVE; Pyridoxamine 5-Prime-Phosphate Oxidase Deficiency; Pyridoxine-5'-phosphate oxidase deficiency; Pyridoxal 5'-Phosphate (PLP)-Dependent Epilepsy. Identifiers: Orphanet 79096, MedGen C1864723, MONDO:0012407, OMIM 610090. Disease mechanism: loss of function.

Submission:

Labcorp Genetics (formerly Invitae), Labcorp
Classification: Uncertain significance for Pyridoxal phosphate-responsive seizures. Last evaluated: 2022-02-20. Review status: criteria provided, single submitter. Criteria: Invitae Variant Classification Sherloc (09022015). Collection method: clinical testing. Allele origin: germline.
Comment: This variant is not present in population databases (gnomAD no frequency). This sequence change replaces tyrosine, which is neutral and polar, with histidine, which is basic and polar, at codon 132 of the PNPO protein (p.Tyr132His). In summary, the available evidence is currently insufficient to determine the role of this variant in disease. Therefore, it has been classified as a Variant of Uncertain Significance. Algorithms developed to predict the effect of missense changes on protein structure and function are either unavailable or do not agree on the potential impact of this missense change (SIFT: "Deleterious"; PolyPhen-2: "Probably Damaging"; Align-GVGD: "Class C0"). This variant has not been reported in the literature in individuals affected with PNPO-related conditions.

NM_018129.4(PNPO):c.394T>C (p.Tyr132His)

Gene: PNPO (pyridoxamine 5'-phosphate oxidase; plus strand). Cytogenetic location: 17q21.32.
Variant type: single nucleotide variant.
Coding change: c.394T>C on transcript NM_018129.4 (MANE Select); coding-DNA position 394, T replaced by C.
Protein change: p.Tyr132His; replaces tyrosine 132 with histidine.
Molecular consequence: missense variant.
Genome position (GRCh38, 1-based): chr17:47,945,589, T>C. VCF-style: chr17-47945589-T-C. GRCh37 (hg19) VCF-style: chr17-46022955-T-C.
Other names: short protein forms Y132H.
Identifiers: ClinVar variation 2100337 (VCV002100337.4), dbSNP rs2509293030, ClinGen allele CA400057936.
Genomic context (GRCh38, chr17:47,945,589, plus strand): 5'-GGCTGGCTGTGGATTCTCTTTTACTTCTAGGACTCTAATCCCTTTGCTTCCCTTGTCTTC[T>C]ACTGGGAGCCACTTAACCGTCAGGTGAGTGAATTTTCCCAGGACAGCCTGGGATGGGCTG-3'
Protein context (NP_060599.1, residues 122-142): DSNPFASLVF[Tyr132His]WEPLNRQVRV